The following is an entry in ClinVar:

ClinVar aggregate classification (germline): Uncertain significance. Review status: criteria provided, multiple submitters, no conflicts (2 of 4 stars). 2 submissions from 2 submitters: Uncertain significance (2). Last evaluated 2024-02-07.

Conditions:
Hypersulfaturia (HYSULF). Identifiers: MedGen C5830511, MONDO:0957268, OMIM 620372.
Nephrolithiasis susceptibility caused by SLC26A1 (CAON1). Also called: NEPHROLITHIASIS, CALCIUM OXALATE, 1. Identifiers: MedGen C5779632, MONDO:0020722, OMIM 167030.

Allele frequency attached by ClinVar (database versions not stated): gnomAD 0.00003; TOPMed 0.00004.
gnomAD v4.1: 46 of 1,606,372 alleles (0.0029%); highest among the groups gnomAD compares: African/African-American, 0.0053%; no homozygotes.

Submissions (2):

Fulgent Genetics
Classification: Uncertain significance for Nephrolithiasis susceptibility caused by SLC26A1; Hypersulfaturia. Last evaluated: 2024-02-07. Review status: criteria provided, single submitter. Criteria: ACMG Guidelines, 2015. Collection method: clinical testing. Allele origin: germline.

Labcorp Genetics (formerly Invitae), Labcorp
Classification: Uncertain significance. Last evaluated: 2022-07-14. Review status: criteria provided, single submitter. Criteria: Invitae Variant Classification Sherloc (09022015). Collection method: clinical testing. Allele origin: germline.
Comment: In summary, the available evidence is currently insufficient to determine the role of this variant in disease. Therefore, it has been classified as a Variant of Uncertain Significance. Algorithms developed to predict the effect of missense changes on protein structure and function are either unavailable or do not agree on the potential impact of this missense change (SIFT: "Deleterious"; PolyPhen-2: "Benign"; Align-GVGD: "Class C0"). This variant has not been reported in the literature in individuals affected with SLC26A1-related conditions. This variant is present in population databases (no rsID available, gnomAD 0.007%). This sequence change replaces serine, which is neutral and polar, with leucine, which is neutral and non-polar, at codon 165 of the SLC26A1 protein (p.Ser165Leu).

NM_022042.4(SLC26A1):c.494C>T (p.Ser165Leu)

Genes: IDUA (alpha-L-iduronidase; plus strand), SLC26A1 (solute carrier family 26 member 1; minus strand). Cytogenetic location: 4p16.3.
Variant type: single nucleotide variant.
Coding change: c.494C>T on transcript NM_022042.4 (MANE Select); coding-DNA position 494, C replaced by T.
Protein change: p.Ser165Leu; replaces serine 165 with leucine.
Molecular consequence: missense variant. On other transcripts: intron variant (1).
Genome position (GRCh38, 1-based): chr4:991,210, G>A on the plus strand (C>T on the coding strand, the complement: SLC26A1 is on the minus strand). VCF-style: chr4-991210-G-A. GRCh37 (hg19) VCF-style: chr4-984998-G-A.
Other names: c.494C>T, p.Ser165Leu (NM_134425.4, NM_213613.4); c.299+3261G>A (NM_000203.5); short protein forms S165L.
Identifiers: ClinVar variation 1915308 (VCV001915308.6), dbSNP rs868000224, ClinGen allele CA91150768.
Genomic context (GRCh38, chr4:991,210, plus strand): 5'-GTGAGGGCGGTGGCGACACGGATGGCGTAGCAGTCACGCCCGCAGTCCAGCATGGCAGCC[G>A]AGCCGTTGAGGGTGCTGCTGTTGGCTCCGGGCTGCAGGCCGTCCTGGGAGGGGTCAAAGC-3'
Protein context (NP_071325.2, residues 155-175): PGANSSTLNG[Ser165Leu]AAMLDCGRDC